The following is an entry in ClinVar:

NM_001378969.1(KCND3):c.280G>A (p.Val94Met)

Gene: KCND3 (potassium voltage-gated channel subfamily D member 3; minus strand). Cytogenetic location: 1p13.2.
Variant type: single nucleotide variant.
Coding change: c.280G>A on transcript NM_001378969.1 (MANE Select); coding-DNA position 280, G replaced by A.
Protein change: p.Val94Met; replaces valine 94 with methionine.
Molecular consequence: missense variant.
Genome position (GRCh38, 1-based): chr1:111,982,447, C>T on the plus strand (G>A on the coding strand, the complement: KCND3 is on the minus strand). VCF-style: chr1-111982447-C-T. GRCh37 (hg19) VCF-style: chr1-112525069-C-T.
Other names: c.280G>A, p.Val94Met (NM_001378970.1, NM_004980.5, NM_172198.3); short protein forms V94M.
Identifiers: ClinVar variation 3862700 (VCV003862700.1).

ClinVar aggregate classification (germline): Uncertain significance (1 of 4 stars; one submission).

Conditions:
Cardiovascular phenotype. Identifiers: MedGen CN230736.

gnomAD v4.1: 1 of 1,613,526 alleles (0.000062%); highest among the groups gnomAD compares: Admixed American, 0.0017%; no homozygotes.

Submission:

Ambry Genetics
Classification: Uncertain significance for Cardiovascular phenotype. Last evaluated: 2025-01-14. Review status: criteria provided, single submitter. Criteria: Ambry Variant Classification Scheme 2023. Collection method: clinical testing. Allele origin: germline.
Comment: The p.V94M variant (also known as c.280G>A), located in coding exon 1 of the KCND3 gene, results from a G to A substitution at nucleotide position 280. The valine at codon 94 is replaced by methionine, an amino acid with highly similar properties. This amino acid position is not well conserved in available vertebrate species. In addition, the in silico prediction for this alteration is inconclusive. Based on the available evidence, the clinical significance of this variant remains unclear.